The following is an entry in ClinVar:

NM_001909.5(CTSD):c.22C>T (p.Pro8Ser)

Genes: CTSD (cathepsin D; minus strand), LOC130005119 (ATAC-STARR-seq lymphoblastoid silent region 3058; plus strand). Cytogenetic location: 11p15.5.
Variant type: single nucleotide variant.
Coding change: c.22C>T on transcript NM_001909.5 (MANE Select); coding-DNA position 22, C replaced by T.
Protein change: p.Pro8Ser; replaces proline 8 with serine.
Molecular consequence: missense variant.
Genome position (GRCh38, 1-based): chr11:1,763,838, G>A on the plus strand (C>T on the coding strand, the complement: CTSD is on the minus strand). VCF-style: chr11-1763838-G-A. GRCh37 (hg19) VCF-style: chr11-1785068-G-A.
Other names: short protein forms P8S.
Identifiers: ClinVar variation 1372517 (VCV001372517.8), dbSNP rs1590909988, ClinGen allele CA379101006.
Genomic context (GRCh38, chr11:1,763,838, plus strand): 5'-CCCTGAGGCTTCACCTGACGAGCGCGGAGGCGGGTGCAGCCAGCAGGCAGAGGGCGAGCG[G>A]CAGAAGGCTGGAGGGCTGCATGGCGGCGGCGGCCGGGTCGGAGAGGGTCGCCGAGGCCGT-3'
Protein context (NP_001900.1, residues 1-18): MQPSSLL[Pro8Ser]LALCLLAAPA

ClinVar aggregate classification (germline): Uncertain significance (1 of 4 stars; one submission).

Conditions:
Neuronal ceroid lipofuscinosis. Also called: Neuronal Ceroid Lipofuscinoses. Identifiers: Orphanet 216, Orphanet 79263, MedGen C0027877, MONDO:0016295. Disease mechanism: loss of function.

Submission:

Labcorp Genetics (formerly Invitae), Labcorp
Classification: Uncertain significance for Neuronal ceroid lipofuscinosis. Last evaluated: 2022-08-16. Review status: criteria provided, single submitter. Criteria: Invitae Variant Classification Sherloc (09022015). Collection method: clinical testing. Allele origin: germline.
Comment: ClinVar contains an entry for this variant (Variation ID: 1372517). This variant has not been reported in the literature in individuals affected with CTSD-related conditions. This variant is not present in population databases (gnomAD no frequency). This sequence change replaces proline, which is neutral and non-polar, with serine, which is neutral and polar, at codon 8 of the CTSD protein (p.Pro8Ser). In summary, the available evidence is currently insufficient to determine the role of this variant in disease. Therefore, it has been classified as a Variant of Uncertain Significance. Algorithms developed to predict the effect of missense changes on protein structure and function are either unavailable or do not agree on the potential impact of this missense change (SIFT: "Deleterious"; PolyPhen-2: "Not Available"; Align-GVGD: "Class C0").